The following is an entry in ClinVar:

ClinVar aggregate classification (germline): Likely pathogenic (1 of 4 stars; one submission).

gnomAD v4.1: 2 of 1,528,410 alleles (0.00013%); highest among the groups gnomAD compares: Admixed American, 0.0017%; no homozygotes.

Submission:

GeneDx
Classification: Likely pathogenic. Last evaluated: 2016-06-09. Review status: criteria provided, single submitter. Criteria: GeneDx Variant Classification (06012015). Collection method: clinical testing. Allele origin: germline. Affected: yes.
Comment: The Y942X variant in the OTOGL gene has not been reported previously as a pathogenic variant nor as a benign variant, to our knowledge. This variant is predicted to cause loss of normal protein function either through protein truncation or nonsense-mediated mRNA decay. The Y942X variant was not observed in approximately 6,000 individuals of European and African American ancestry in the NHLBI Exome Sequencing Project, indicating it is not a common benign variant in these populations. The Y942X variant is a strong candidate for a pathogenic variant, however, the possibility it may be a rare benign variant cannot be excluded.

NM_001378609.3(OTOGL):c.2853C>G (p.Tyr951Ter)

Gene: OTOGL (otogelin like; plus strand). Cytogenetic location: 12q21.31.
Variant type: single nucleotide variant.
Coding change: c.2853C>G on transcript NM_001378609.3 (MANE Select); coding-DNA position 2853, C replaced by G.
Protein change: p.Tyr951Ter; replaces tyrosine 951 with a stop codon.
Molecular consequence: nonsense.
Genome position (GRCh38, 1-based): chr12:80,279,091, C>G. VCF-style: chr12-80279091-C-G. GRCh37 (hg19) VCF-style: chr12-80672871-C-G.
Other names: c.2853C>G, p.Tyr951Ter (NM_001368062.3, NM_001378610.3, NM_173591.7); short protein forms Y942*, Y951*.
Identifiers: ClinVar variation 421419 (VCV000421419.2), dbSNP rs770917728, ClinGen allele CA6700912.